The following is an entry in ClinVar:

NM_017649.5(CNNM2):c.2371A>G (p.Ile791Val)

Gene: CNNM2 (cyclin and CBS domain divalent metal cation transport mediator 2; plus strand). Cytogenetic location: 10q24.32.
Variant type: single nucleotide variant.
Coding change: c.2371A>G on transcript NM_017649.5 (MANE Select); coding-DNA position 2371, A replaced by G.
Protein change: p.Ile791Val; replaces isoleucine 791 with valine.
Molecular consequence: missense variant.
Genome position (GRCh38, 1-based): chr10:103,076,223, A>G. VCF-style: chr10-103076223-A-G. GRCh37 (hg19) VCF-style: chr10-104835980-A-G.
Other names: c.2305A>G, p.Ile769Val (NM_199076.3); short protein forms I769V, I791V.
Identifiers: ClinVar variation 2640800 (VCV002640800.24), dbSNP rs772583923, ClinGen allele CA377964202.

ClinVar aggregate classification (germline): Uncertain significance (1 of 4 stars; one submission).

Submission:

CeGaT Center for Human Genetics Tuebingen
Classification: Uncertain significance. Last evaluated: 2022-08-01. Review status: criteria provided, single submitter. Criteria: CeGaT Center For Human Genetics Tuebingen Variant Classification Criteria Version 2. Collection method: clinical testing. Allele origin: germline. Affected: yes. Observed: 1 variant allele.
Comment: CNNM2: PM2, PP2, BP4